The following is an entry in ClinVar:

NM_003705.5(SLC25A12):c.1568C>T (p.Ala523Val)

Gene: SLC25A12 (solute carrier family 25 member 12; minus strand). Cytogenetic location: 2q31.1.
Variant type: single nucleotide variant.
Coding change: c.1568C>T on transcript NM_003705.5 (MANE Select); coding-DNA position 1568, C replaced by T.
Protein change: p.Ala523Val; replaces alanine 523 with valine.
Molecular consequence: missense variant. On other transcripts: non-coding transcript variant (1).
Genome position (GRCh38, 1-based): chr2:171,791,468, G>A on the plus strand (C>T on the coding strand, the complement: SLC25A12 is on the minus strand). VCF-style: chr2-171791468-G-A. GRCh37 (hg19) VCF-style: chr2-172647978-G-A.
Other names: short protein forms A523V.
Identifiers: ClinVar variation 663293 (VCV000663293.4), dbSNP rs757596167, ClinGen allele CA1966083.
Genomic context (GRCh38, chr2:171,791,468, plus strand): 5'-ATAATGGGAGAATTCTTTCAGTTAAAAAAAAATTTGTAGTTACCTGCCATGGCTCCAGCT[G>A]CAAGAAGATTTAAACCTCCCACGTGTCCATTTTCATCAGCCAGAAGTAGTTTGCAATGAG-3'
Protein context (NP_003696.2, residues 513-533): NGHVGGLNLL[Ala523Val]AGAMAGVPAA

ClinVar aggregate classification (germline): Uncertain significance (1 of 4 stars; one submission).

Allele frequency attached by ClinVar (database versions not stated): gnomAD exomes below 0.00001; ExAC 0.00001; TOPMed 0.00001.
gnomAD v4.1: 1 of 1,614,056 alleles (0.000062%); highest among the groups gnomAD compares: Non-Finnish European, 0.000085%; no homozygotes.

Submission:

Labcorp Genetics (formerly Invitae), Labcorp
Classification: Uncertain significance. Last evaluated: 2021-09-17. Review status: criteria provided, single submitter. Criteria: Invitae Variant Classification Sherloc (09022015). Collection method: clinical testing. Allele origin: germline.
Comment: This sequence change replaces alanine with valine at codon 523 of the SLC25A12 protein (p.Ala523Val). The alanine residue is moderately conserved and there is a small physicochemical difference between alanine and valine. This variant is present in population databases (rs757596167, ExAC 0.01%). This variant has not been reported in the literature in individuals affected with SLC25A12-related conditions. Algorithms developed to predict the effect of missense changes on protein structure and function (SIFT, PolyPhen-2, Align-GVGD) all suggest that this variant is likely to be tolerated. In summary, the available evidence is currently insufficient to determine the role of this variant in disease. Therefore, it has been classified as a Variant of Uncertain Significance.